The following is an entry in ClinVar:

NM_001365276.2(TNXB):c.462C>A (p.Cys154Ter)

Gene: TNXB (tenascin XB; minus strand). Cytogenetic location: 6p21.33.
Variant type: single nucleotide variant.
Coding change: c.462C>A on transcript NM_001365276.2 (MANE Select); coding-DNA position 462, C replaced by A.
Protein change: p.Cys154Ter; replaces cysteine 154 with a stop codon.
Molecular consequence: nonsense.
Genome position (GRCh38, 1-based): chr6:32,097,391, G>T on the plus strand (C>A on the coding strand, the complement: TNXB is on the minus strand). VCF-style: chr6-32097391-G-T. GRCh37 (hg19) VCF-style: chr6-32065168-G-T.
Other names: c.462C>A, p.Cys154Ter (NM_001428335.1, NM_019105.8); short protein forms C154*.
Identifiers: ClinVar variation 5014563 (VCV005014563.1).

ClinVar aggregate classification (germline): Pathogenic (1 of 4 stars; one submission).

Conditions:
Ehlers-Danlos syndrome due to tenascin-X deficiency (EDSCLL1). Also called: EDS DUE TO TNX DEFICIENCY; TNX DEFICIENCY; Ehlers-Danlos syndrome, classic-like, 1; EHLERS-DANLOS SYNDROME, CLASSIC-LIKE; TNXB-Related Classical-Like Ehlers-Danlos Syndrome. Identifiers: Orphanet 230839, MedGen C1848029, MONDO:0011670, OMIM 606408.

Submission:

Myriad Genetics, Inc.
Classification: Pathogenic for Ehlers-Danlos syndrome due to tenascin-X deficiency. Last evaluated: 2025-06-06. Review status: criteria provided, single submitter. Criteria: Myriad Autosomal Dominant, Autosomal Recessive and X-Linked Classification Criteria (2023). Collection method: clinical testing. Allele origin: unknown.
Comment: NM_019105.6(TNXB):c.462C>A(C154*) is expected to be pathogenic in the context of classical-like Ehlers-Danlos syndrome, TNXB-related. This variant is predicted to lead to an abnormal or absent protein product due to the creation of a premature termination codon in TNXB, a gene where loss-of-function variants are known to be pathogenic. Please note: this variant was assessed in the context of healthy population screening.